The following is an entry in ClinVar:

ClinVar aggregate classification (germline): Likely benign. Review status: criteria provided, multiple submitters, no conflicts (2 of 4 stars). 2 submissions from 2 submitters: Likely benign (2). Last evaluated 2025-09-21.

Conditions:
Tuberous sclerosis 1 (TSC1). Identifiers: Orphanet 805, MedGen C1854465, MONDO:0008612, OMIM 191100.

Allele frequency attached by ClinVar (database versions not stated): gnomAD exomes below 0.00001 and 0.00001; TOPMed below 0.00001; ExAC 0.00002.
gnomAD v4.1: 2 of 1,614,066 alleles (0.00012%); highest among the groups gnomAD compares: Non-Finnish European, 0.00017%; no homozygotes.

Submissions (2):

Labcorp Genetics (formerly Invitae), Labcorp
Classification: Likely benign for Tuberous sclerosis 1. Last evaluated: 2025-09-21. Review status: criteria provided, single submitter. Criteria: Invitae Variant Classification Sherloc (09022015). Collection method: clinical testing. Allele origin: germline.

Myriad Genetics, Inc.
Classification: Likely benign for Tuberous sclerosis 1. Last evaluated: 2025-04-07. Review status: criteria provided, single submitter. Criteria: Myriad Autosomal Dominant, Autosomal Recessive and X-Linked Classification Criteria (2023). Collection method: clinical testing. Allele origin: unknown.
Comment: This variant is considered likely benign. This variant is intronic and is not expected to impact mRNA splicing.

NM_000368.5(TSC1):c.211-8A>G

Gene: TSC1 (TSC complex subunit 1; minus strand). Cytogenetic location: 9q34.13.
Variant type: single nucleotide variant.
Coding change: c.211-8A>G on transcript NM_000368.5 (MANE Select); 8 bases into the intron before coding-DNA position 211, A replaced by G.
Molecular consequence: intron variant.
Genome position (GRCh38, 1-based): chr9:132,925,747, T>C on the plus strand (A>G on the coding strand, the complement: TSC1 is on the minus strand). VCF-style: chr9-132925747-T-C. GRCh37 (hg19) VCF-style: chr9-135801134-T-C.
Other names: c.-153-8A>G (NM_001362177.2); c.210+1454A>G (NM_001162427.2); c.211-8A>G (NM_001162426.2).
Identifiers: ClinVar variation 1112670 (VCV001112670.10), dbSNP rs753082880, ClinGen allele CA031544.